The following is an entry in ClinVar:

NM_005560.6(LAMA5):c.7655C>T (p.Thr2552Met)

Gene: LAMA5 (laminin subunit alpha 5; minus strand). Cytogenetic location: 20q13.33.
Variant type: single nucleotide variant.
Coding change: c.7655C>T on transcript NM_005560.6 (MANE Select); coding-DNA position 7655, C replaced by T.
Protein change: p.Thr2552Met; replaces threonine 2552 with methionine.
Molecular consequence: missense variant.
Genome position (GRCh38, 1-based): chr20:62,316,772, G>A on the plus strand (C>T on the coding strand, the complement: LAMA5 is on the minus strand). VCF-style: chr20-62316772-G-A. GRCh37 (hg19) VCF-style: chr20-60891828-G-A.
Other names: c.7655C>T (NM_005560.3); short protein forms T2552M.
Identifiers: ClinVar variation 1413260 (VCV001413260.6), dbSNP rs571233072, ClinGen allele CA9941093.

ClinVar aggregate classification (germline): Conflicting classifications of pathogenicity. Review status: criteria provided, conflicting classifications (1 of 4 stars). 2 submissions from 2 submitters: Uncertain significance (1); Likely benign (1). Last evaluated 2025-02-20.

Conditions:
Inborn genetic diseases. Identifiers: MedGen C0950123, MeSH D030342.

Allele frequency attached by ClinVar (database versions not stated): gnomAD exomes 0.00003 and 0.00004; gnomAD 0.00004 and 0.00005; ExAC 0.00006; TOPMed 0.00007; 1000 Genomes Project 30x 0.00016; 1000 Genomes Project 0.00020.
gnomAD v4.1: 64 of 1,602,632 alleles (0.004%); highest among the groups gnomAD compares: Admixed American, 0.015%; no homozygotes.

Submissions (2):

Ambry Genetics
Classification: Likely benign for Inborn genetic diseases. Last evaluated: 2025-02-20. Review status: criteria provided, single submitter. Criteria: Ambry Variant Classification Scheme 2023. Collection method: clinical testing. Allele origin: germline.

Labcorp Genetics (formerly Invitae), Labcorp
Classification: Uncertain significance. Last evaluated: 2022-11-08. Review status: criteria provided, single submitter. Criteria: Invitae Variant Classification Sherloc (09022015). Collection method: clinical testing. Allele origin: germline.
Comment: This variant has not been reported in the literature in individuals affected with LAMA5-related conditions. In summary, the available evidence is currently insufficient to determine the role of this variant in disease. Therefore, it has been classified as a Variant of Uncertain Significance. Algorithms developed to predict the effect of missense changes on protein structure and function output the following: SIFT: "Tolerated"; PolyPhen-2: "Benign"; Align-GVGD: "Class C0". The methionine amino acid residue is found in multiple mammalian species, which suggests that this missense change does not adversely affect protein function. ClinVar contains an entry for this variant (Variation ID: 1413260). This sequence change replaces threonine, which is neutral and polar, with methionine, which is neutral and non-polar, at codon 2552 of the LAMA5 protein (p.Thr2552Met). This variant is present in population databases (rs571233072, gnomAD 0.006%).